The following is an entry in ClinVar:

ClinVar aggregate classification (germline): Uncertain significance (1 of 4 stars; one submission).

Submission:

GeneDx
Classification: Uncertain significance. Last evaluated: 2024-12-04. Review status: criteria provided, single submitter. Criteria: GeneDx Variant Classification Process June 2021. Collection method: clinical testing. Allele origin: germline. Affected: yes.
Comment: Not observed at significant frequency in large population cohorts (gnomAD); In silico analysis supports that this missense variant has a deleterious effect on protein structure/function; Has not been previously published as pathogenic or benign to our knowledge

NM_002655.3(PLAG1):c.689G>A (p.Arg230Gln)

Genes: PLAG1 (PLAG1 zinc finger; minus strand), LOC126860395 (BRD4-independent group 4 enhancer GRCh37_chr8:57079228-57080427; plus strand). Cytogenetic location: 8q12.1.
Variant type: single nucleotide variant.
Coding change: c.689G>A on transcript NM_002655.3 (MANE Select); coding-DNA position 689, G replaced by A.
Protein change: p.Arg230Gln; replaces arginine 230 with glutamine.
Molecular consequence: missense variant.
Genome position (GRCh38, 1-based): chr8:56,167,057, C>T on the plus strand (G>A on the coding strand, the complement: PLAG1 is on the minus strand). VCF-style: chr8-56167057-C-T. GRCh37 (hg19) VCF-style: chr8-57079616-C-T.
Other names: c.689G>A, p.Arg230Gln (NM_001114634.2); c.443G>A, p.Arg148Gln (NM_001114635.2); short protein forms R148Q, R230Q.
Identifiers: ClinVar variation 2574425 (VCV002574425.2), dbSNP rs2129224496, ClinGen allele CA371378027.